The following is an entry in ClinVar:

ClinVar aggregate classification (germline): Conflicting classifications of pathogenicity. Review status: criteria provided, conflicting classifications (1 of 4 stars). 4 submissions from 4 submitters: Uncertain significance (3); Likely benign (1). Last evaluated 2025-03-17.

Conditions:
Inborn genetic diseases. Identifiers: MedGen C0950123, MeSH D030342.
LRP2-related disorder. Also called: LRP2-related condition.

Allele frequency attached by ClinVar (database versions not stated): gnomAD 0.00001 and 0.00003; ExAC 0.00003; gnomAD exomes 0.00003 and 0.00011; TOPMed 0.00003.
gnomAD v4.1: 165 of 1,614,038 alleles (0.01%); highest among the groups gnomAD compares: Non-Finnish European, 0.014%; no homozygotes.

Submissions (4):

Labcorp Genetics (formerly Invitae), Labcorp
Classification: Uncertain significance. Last evaluated: 2025-03-17. Review status: criteria provided, single submitter. Criteria: Invitae Variant Classification Sherloc (09022015). Collection method: clinical testing. Allele origin: germline.
Comment: This sequence change replaces glutamic acid, which is acidic and polar, with lysine, which is basic and polar, at codon 1014 of the LRP2 protein (p.Glu1014Lys). This variant is present in population databases (rs781041064, gnomAD 0.006%). This variant has not been reported in the literature in individuals affected with LRP2-related conditions. ClinVar contains an entry for this variant (Variation ID: 1435029). Invitae Evidence Modeling of protein sequence and biophysical properties (such as structural, functional, and spatial information, amino acid conservation, physicochemical variation, residue mobility, and thermodynamic stability) indicates that this missense variant is not expected to disrupt LRP2 protein function with a negative predictive value of 95%. In summary, the available evidence is currently insufficient to determine the role of this variant in disease. Therefore, it has been classified as a Variant of Uncertain Significance.

Ambry Genetics
Classification: Uncertain significance for Inborn genetic diseases. Last evaluated: 2025-02-01. Review status: criteria provided, single submitter. Criteria: Ambry Variant Classification Scheme 2023. Collection method: clinical testing. Allele origin: germline.

PreventionGenetics, part of Exact Sciences
Classification: Uncertain significance for LRP2-related condition. Last evaluated: 2024-12-09. Review status: criteria provided, single submitter. Criteria: ACMG Guidelines, 2015. Collection method: clinical testing. Allele origin: germline.
Comment: The LRP2 c.3040G>A variant is predicted to result in the amino acid substitution p.Glu1014Lys. To our knowledge, this variant has not been reported in the literature. This variant is reported in 0.0054% of alleles in individuals of European (Non-Finnish) descent in gnomAD. At this time, the clinical significance of this variant is uncertain due to the absence of conclusive functional and genetic evidence.

Blueprint Genetics
Classification: Likely benign. Last evaluated: 2024-04-23. Review status: criteria provided, single submitter. Criteria: ACMG Guidelines, 2015. Collection method: clinical testing. Allele origin: germline.

NM_004525.3(LRP2):c.3040G>A (p.Glu1014Lys)

Gene: LRP2 (LDL receptor related protein 2; minus strand). Cytogenetic location: 2q31.1.
Variant type: single nucleotide variant.
Coding change: c.3040G>A on transcript NM_004525.3 (MANE Select); coding-DNA position 3040, G replaced by A.
Protein change: p.Glu1014Lys; replaces glutamic acid 1014 with lysine.
Molecular consequence: missense variant.
Genome position (GRCh38, 1-based): chr2:169,246,855, C>T on the plus strand (G>A on the coding strand, the complement: LRP2 is on the minus strand). VCF-style: chr2-169246855-C-T. GRCh37 (hg19) VCF-style: chr2-170103365-C-T.
Other names: c.3040G>A (NM_004525.2); short protein forms E1014K.
Identifiers: ClinVar variation 1435029 (VCV001435029.9), dbSNP rs781041064, ClinGen allele CA1955139.